The following is an entry in ClinVar:

NM_014915.3(ANKRD26):c.1061A>G (p.Asn354Ser)

Gene: ANKRD26 (ankyrin repeat domain 26; minus strand). Cytogenetic location: 10p12.1.
Variant type: single nucleotide variant.
Coding change: c.1061A>G on transcript NM_014915.3 (MANE Select); coding-DNA position 1061, A replaced by G.
Protein change: p.Asn354Ser; replaces asparagine 354 with serine.
Molecular consequence: missense variant.
Genome position (GRCh38, 1-based): chr10:27,077,354, T>C on the plus strand (A>G on the coding strand, the complement: ANKRD26 is on the minus strand). VCF-style: chr10-27077354-T-C. GRCh37 (hg19) VCF-style: chr10-27366283-T-C.
Other names: c.1061A>G, p.Asn354Ser (NM_001256053.2); short protein forms N354S.
Identifiers: ClinVar variation 2891256 (VCV002891256.6), dbSNP rs764315640, ClinGen allele CA5448707.

ClinVar aggregate classification (germline): Uncertain significance. Review status: criteria provided, multiple submitters, no conflicts (2 of 4 stars). 3 submissions from 3 submitters: Uncertain significance (3). Last evaluated 2025-11-26.

Conditions:
Inborn genetic diseases. Identifiers: MedGen C0950123, MeSH D030342.

Allele frequency attached by ClinVar (database versions not stated): TOPMed below 0.00001; gnomAD exomes 0.00001; ExAC 0.00002.
gnomAD v4.1: 12 of 1,613,752 alleles (0.00074%); highest among the groups gnomAD compares: Admixed American, 0.02%; no homozygotes.

Submissions (3):

Ambry Genetics
Classification: Uncertain significance for Inborn genetic diseases. Last evaluated: 2025-11-26. Review status: criteria provided, single submitter. Criteria: Ambry Variant Classification Scheme 2023. Collection method: clinical testing. Allele origin: germline.

GeneDx
Classification: Uncertain significance. Last evaluated: 2024-03-04. Review status: criteria provided, single submitter. Criteria: GeneDx Variant Classification Process June 2021. Collection method: clinical testing. Allele origin: germline. Affected: yes.
Comment: In silico analysis supports that this missense variant does not alter protein structure/function; Has not been previously published as pathogenic or benign to our knowledge

Labcorp Genetics (formerly Invitae), Labcorp
Classification: Uncertain significance. Last evaluated: 2022-12-04. Review status: criteria provided, single submitter. Criteria: Invitae Variant Classification Sherloc (09022015). Collection method: clinical testing. Allele origin: germline.
Comment: In summary, the available evidence is currently insufficient to determine the role of this variant in disease. Therefore, it has been classified as a Variant of Uncertain Significance. Algorithms developed to predict the effect of missense changes on protein structure and function (SIFT, PolyPhen-2, Align-GVGD) all suggest that this variant is likely to be tolerated. This variant has not been reported in the literature in individuals affected with ANKRD26-related conditions. This variant is present in population databases (rs764315640, gnomAD 0.02%). This sequence change replaces asparagine, which is neutral and polar, with serine, which is neutral and polar, at codon 354 of the ANKRD26 protein (p.Asn354Ser).